The following is an entry in ClinVar:

NM_001273.5(CHD4):c.1357C>T (p.Arg453Trp)

Gene: CHD4 (chromodomain helicase DNA binding protein 4; minus strand). Cytogenetic location: 12p13.31.
Variant type: single nucleotide variant.
Coding change: c.1357C>T on transcript NM_001273.5 (MANE Select); coding-DNA position 1357, C replaced by T.
Protein change: p.Arg453Trp; replaces arginine 453 with tryptophan.
Molecular consequence: missense variant.
Genome position (GRCh38, 1-based): chr12:6,599,898, G>A on the plus strand (C>T on the coding strand, the complement: CHD4 is on the minus strand). VCF-style: chr12-6599898-G-A. GRCh37 (hg19) VCF-style: chr12-6709064-G-A.
Other names: c.1336C>T, p.Arg446Trp (NM_001297553.2); c.1318C>T, p.Arg440Trp (NM_001363606.2); short protein forms R440W, R446W, R453W.
Identifiers: ClinVar variation 3491977 (VCV003491977.1).
Genomic context (GRCh38, chr12:6,599,898, plus strand): 5'-TGTGGTAGGAAGAAGGACAGGTATCACAGCAGAGCAGTTCCCCACCATCCTTGCAGACCC[G>A]ACAGAATTCCATATGGTGGTCATCCTCCTCTTCGAGGTCTCCCCCAACCTCTTCCAGGAT-3'
Protein context (NP_001264.2, residues 443-463): EEDDHHMEFC[Arg453Trp]VCKDGGELLC

ClinVar aggregate classification (germline): Uncertain significance (1 of 4 stars; one submission).

Conditions:
Inborn genetic diseases. Identifiers: MedGen C0950123, MeSH D030342.

gnomAD v4.1: 4 of 1,614,052 alleles (0.00025%); highest among the groups gnomAD compares: Non-Finnish European, 0.00034%; no homozygotes.

Submission:

Ambry Genetics
Classification: Uncertain significance for Inborn genetic diseases. Last evaluated: 2024-09-23. Review status: criteria provided, single submitter. Criteria: Ambry Variant Classification Scheme 2023. Collection method: clinical testing. Allele origin: germline.
Comment: The c.1357C>T (p.R453W) alteration is located in exon 10 (coding exon 9) of the CHD4 gene. This alteration results from a C to T substitution at nucleotide position 1357, causing the arginine (R) at amino acid position 453 to be replaced by a tryptophan (W). This variant was not reported in population-based cohorts in the Genome Aggregation Database (gnomAD). This amino acid position is highly conserved in available vertebrate species. This alteration is predicted to be deleterious by in silico analysis. Based on insufficient or conflicting evidence, the clinical significance of this alteration remains unclear.